The following is an entry in ClinVar:

NM_005236.3(ERCC4):c.1861A>G (p.Thr621Ala)

Gene: ERCC4 (ERCC excision repair 4, endonuclease catalytic subunit; plus strand). Cytogenetic location: 16p13.12.
Variant type: single nucleotide variant.
Coding change: c.1861A>G on transcript NM_005236.3 (MANE Select); coding-DNA position 1861, A replaced by G.
Protein change: p.Thr621Ala; replaces threonine 621 with alanine.
Molecular consequence: missense variant.
Genome position (GRCh38, 1-based): chr16:13,937,815, A>G. VCF-style: chr16-13937815-A-G. GRCh37 (hg19) VCF-style: chr16-14031672-A-G.
Other names: short protein forms T621A.
Identifiers: ClinVar variation 929558 (VCV000929558.1), dbSNP rs2032331839, ClinGen allele CA394814111.

ClinVar aggregate classification (germline): Uncertain significance (0 of 4 stars; one submission).

Allele frequency attached by ClinVar (database versions not stated): gnomAD exomes below 0.00001.
gnomAD v4.1: 1 of 1,611,362 alleles (0.000062%); highest among the groups gnomAD compares: East Asian, 0.0022%; no homozygotes.

Submission:

Leiden Open Variation Database
Classification: Uncertain significance. Last evaluated: 2014-10-06. Review status: no assertion criteria provided. Collection method: curation. Allele origin: germline. Affected: yes.
Comment: Curator: Arleen D. Auerbach. Submitter to LOVD: Ana Osorio.

Literature cited by the submitters: PubMed 24027083.